The following is an entry in ClinVar:

NM_000821.7(GGCX):c.1682C>A (p.Thr561Asn)

Gene: GGCX (gamma-glutamyl carboxylase; minus strand). Cytogenetic location: 2p11.2.
Variant type: single nucleotide variant.
Coding change: c.1682C>A on transcript NM_000821.7 (MANE Select); coding-DNA position 1682, C replaced by A.
Protein change: p.Thr561Asn; replaces threonine 561 with asparagine.
Molecular consequence: missense variant.
Genome position (GRCh38, 1-based): chr2:85,551,538, G>T on the plus strand (C>A on the coding strand, the complement: GGCX is on the minus strand). VCF-style: chr2-85551538-G-T. GRCh37 (hg19) VCF-style: chr2-85778661-G-T.
Other names: c.1511C>A, p.Thr504Asn (NM_001142269.4); c.1682C>A (NM_000821.5); short protein forms T561N, T504N.
Identifiers: ClinVar variation 1403904 (VCV001403904.5), dbSNP rs750814417, ClinGen allele CA51735807.
Genomic context (GRCh38, chr2:85,551,538, plus strand): 5'-ACCTGCATTTTTTCTCCCTCTCGAAGAGTCTGGTTCTTCTGTTCTGCCACAAGCTCCACA[G>T]TCACTTCCCCCTGCAGCAGCTGGATGCTAGTGTTGCCCAGGTCTTCACTCACAAAATTCT-3'
Protein context (NP_000812.2, residues 551-571): TSIQLLQGEV[Thr561Asn]VELVAEQKNQ

ClinVar aggregate classification (germline): Uncertain significance. Review status: criteria provided, multiple submitters, no conflicts (2 of 4 stars). 3 submissions from 3 submitters: Uncertain significance (3). Last evaluated 2024-01-03.

Conditions:
Inborn genetic diseases. Identifiers: MedGen C0950123, MeSH D030342.

Allele frequency attached by ClinVar (database versions not stated): gnomAD exomes below 0.00001; gnomAD 0.00002 and 0.00004; TOPMed 0.00009.
gnomAD v4.1: 22 of 1,613,816 alleles (0.0014%); highest among the groups gnomAD compares: Admixed American, 0.02%; no homozygotes.

Submissions (3):

Ambry Genetics
Classification: Uncertain significance for Inborn genetic diseases. Last evaluated: 2024-01-03. Review status: criteria provided, single submitter. Criteria: Ambry Variant Classification Scheme 2023. Collection method: clinical testing. Allele origin: germline.

Labcorp Genetics (formerly Invitae), Labcorp
Classification: Uncertain significance. Last evaluated: 2022-05-27. Review status: criteria provided, single submitter. Criteria: Invitae Variant Classification Sherloc (09022015). Collection method: clinical testing. Allele origin: germline.
Comment: This sequence change replaces threonine, which is neutral and polar, with asparagine, which is neutral and polar, at codon 561 of the GGCX protein (p.Thr561Asn). This variant is present in population databases (rs750814417, gnomAD 0.003%). This variant has not been reported in the literature in individuals affected with GGCX-related conditions. Algorithms developed to predict the effect of missense changes on protein structure and function (SIFT, PolyPhen-2, Align-GVGD) all suggest that this variant is likely to be tolerated. In summary, the available evidence is currently insufficient to determine the role of this variant in disease. Therefore, it has been classified as a Variant of Uncertain Significance.

Breakthrough Genomics
Classification: Uncertain significance. Review status: criteria provided, single submitter. Criteria: ACMG Guidelines, 2015. Collection method: not provided. Allele origin: germline. Inheritance: Autosomal recessive inheritance. Affected: yes.